The following is an entry in ClinVar:

ClinVar aggregate classification (germline): Conflicting classifications of pathogenicity. Review status: criteria provided, conflicting classifications (1 of 4 stars). 3 submissions from 3 submitters: Pathogenic (1); Uncertain significance (2). Last evaluated 2022-07-24.

Conditions:
Mucopolysaccharidosis type 1. Also called: IDUA deficiency; MPS I; Mucopolysaccharidosis Type I. Identifiers: Orphanet 579, MedGen C0023786, MONDO:0001586.

Submissions (3):

Revvity Omics, Revvity
Classification: Uncertain significance. Last evaluated: 2022-07-24. Review status: criteria provided, single submitter. Criteria: ACMG Guidelines, 2015. Collection method: clinical testing. Allele origin: germline.

Labcorp Genetics (formerly Invitae), Labcorp
Classification: Pathogenic for Mucopolysaccharidosis type 1. Last evaluated: 2020-12-21. Review status: criteria provided, single submitter. Criteria: Invitae Variant Classification Sherloc (09022015). Collection method: clinical testing. Allele origin: germline.
Comment: For these reasons, this variant has been classified as Pathogenic. Algorithms developed to predict the effect of sequence changes on RNA splicing suggest that this variant may disrupt the consensus splice site, but this prediction has not been confirmed by published transcriptional studies. This variant has been observed in individual(s) with mucopolysaccharidosis type I (external communication). In at least one individual the data is consistent with the variant being in trans (on the opposite chromosome) from a pathogenic variant. ClinVar contains an entry for this variant (Variation ID: 92633). This variant is not present in population databases (ExAC no frequency). This variant results in the deletion of part of exon 2 (c.159-19_160del) of the IDUA gene. It is expected to disrupt RNA splicing. Variants that disrupt the donor or acceptor splice site typically lead to a loss of protein function (PMID: 16199547), and loss-of-function variants in IDUA are known to be pathogenic (PMID: 11735025, 21480867).

Eurofins Ntd Llc (ga)
Classification: Uncertain significance. Last evaluated: 2013-06-26. Review status: criteria provided, single submitter. Criteria: EGL Classification Definitions 2015. Collection method: clinical testing. Allele origin: germline. Observed: 2 variant alleles, 2 heterozygotes.

Literature cited by the submitters: PubMed 16199547 (cited by Labcorp Genetics (formerly Invitae), Labcorp); PubMed 11735025 (cited by Labcorp Genetics (formerly Invitae), Labcorp); PubMed 21480867 (cited by Labcorp Genetics (formerly Invitae), Labcorp).

NM_000203.5(IDUA):c.159-19_160del

Genes: IDUA (alpha-L-iduronidase; plus strand), SLC26A1 (solute carrier family 26 member 1; minus strand). Cytogenetic location: 4p16.3.
Variant type: Deletion.
Coding change: c.159-19_160del on transcript NM_000203.5 (MANE Select); 19 bases into the intron before coding-DNA position 159 through coding-DNA position 160, 21 bases deleted (GCCCCTTTGTTGTCCCCAGCC).
Molecular consequence: splice acceptor variant. On other transcripts: 3 prime UTR variant (2), intron variant (1).
Genome position (GRCh38, 1-based): chr4:987,790-987,810, GCCCCTTTGTTGTCCCCAGCC deleted; deleting any 21 consecutive bases within chr4:987,786-987,810 gives the same sequence; the c. name uses the placement nearest the transcript's 3' end. VCF-style (leftmost placement, unchanged base first): chr4-987785-GAGCCGCCCCTTTGTTGTCCCC-G. GRCh37 (hg19) VCF-style: chr4-981573-GAGCCGCCCCTTTGTTGTCCCC-G.
Other names: c.*1027_*1047del (NM_022042.4, NM_213613.4); c.576+3322_576+3342del (NM_134425.4).
Identifiers: ClinVar variation 92633 (VCV000092633.15), dbSNP rs398123255, ClinGen allele CA91146001.